The following is an entry in ClinVar:

NM_001201427.2(DAAM2):c.2966C>T (p.Ala989Val)

Gene: DAAM2 (dishevelled associated activator of morphogenesis 2; plus strand). Cytogenetic location: 6p21.2.
Variant type: single nucleotide variant.
Coding change: c.2966C>T on transcript NM_001201427.2 (MANE Select); coding-DNA position 2966, C replaced by T.
Protein change: p.Ala989Val; replaces alanine 989 with valine.
Molecular consequence: missense variant.
Genome position (GRCh38, 1-based): chr6:39,901,456, C>T. VCF-style: chr6-39901456-C-T. GRCh37 (hg19) VCF-style: chr6-39869232-C-T.
Other names: NC_000006.11:g.39869232C>T; c.2963C>T, p.Ala988Val (NM_015345.4); short protein forms A989V, A988V.
Identifiers: ClinVar variation 2401617 (VCV002401617.4), dbSNP rs755311083, ClinGen allele CA3795469.

ClinVar aggregate classification (germline): Conflicting classifications of pathogenicity. Review status: criteria provided, conflicting classifications (1 of 4 stars). 2 submissions from 2 submitters: Uncertain significance (1); Likely benign (1). Last evaluated 2024-11-16.

Conditions:
Inborn genetic diseases. Identifiers: MedGen C0950123, MeSH D030342.
DAAM2-related disorder. Also called: DAAM2-related condition.

Allele frequency attached by ClinVar (database versions not stated): ExAC 0.00005; gnomAD exomes 0.00009; gnomAD 0.00018.
gnomAD v4.1: 170 of 1,607,974 alleles (0.011%); highest among the groups gnomAD compares: Middle Eastern, 0.052%; 1 homozygote.

Submissions (3):

PreventionGenetics, part of Exact Sciences
Classification: Likely benign for DAAM2-related condition. Last evaluated: 2024-11-16. Review status: criteria provided, single submitter. Criteria: ACMG Guidelines, 2015. Collection method: clinical testing. Allele origin: germline.
Comment: This variant is classified as likely benign based on ACMG/AMP sequence variant interpretation guidelines (Richards et al. 2015 PMID: 25741868, with internal and published modifications).

Ambry Genetics
Classification: Uncertain significance for Inborn genetic diseases. Last evaluated: 2021-07-14. Review status: criteria provided, single submitter. Criteria: Ambry Variant Classification Scheme 2023. Collection method: clinical testing. Allele origin: germline.

Dr. Peter K. Rogan Lab, Western University
No classification provided (evidence only). Condition: Thyroid cancer, nonmedullary, 1. Review status: no classification provided. Collection method: in vitro. Allele origin: not applicable. Functional consequence: retained intron. Not counted in ClinVar's aggregate classification.